The following is an entry in ClinVar:

NM_000455.5(STK11):c.315A>T (p.Leu105Phe)

Gene: STK11 (serine/threonine kinase 11; plus strand). Cytogenetic location: 19p13.3.
Variant type: single nucleotide variant.
Coding change: c.315A>T on transcript NM_000455.5 (MANE Select); coding-DNA position 315, A replaced by T.
Protein change: p.Leu105Phe; replaces leucine 105 with phenylalanine.
Molecular consequence: missense variant. On other transcripts: non-coding transcript variant (1).
Genome position (GRCh38, 1-based): chr19:1,218,441, A>T. VCF-style: chr19-1218441-A-T. GRCh37 (hg19) VCF-style: chr19-1218440-A-T.
Other names: c.315A>T, p.Leu105Phe (NM_001407255.1); short protein forms L105F.
Identifiers: ClinVar variation 4865212 (VCV004865212.1).

ClinVar aggregate classification (germline): Uncertain significance (1 of 4 stars; one submission).

Conditions:
Hereditary cancer-predisposing syndrome. Also called: Neoplastic Syndromes, Hereditary; Tumor predisposition; Hereditary Cancer Syndrome; Hereditary neoplastic syndrome. Identifiers: Orphanet 140162, MedGen C0027672, MeSH D009386, MONDO:0015356.

Submission:

Ambry Genetics
Classification: Uncertain significance for Hereditary cancer-predisposing syndrome. Last evaluated: 2026-05-21. Review status: criteria provided, single submitter. Criteria: Ambry Variant Classification Scheme 2023. Collection method: clinical testing. Allele origin: germline.
Comment: The p.L105F variant (also known as c.315A>T), located in coding exon 2 of the STK11 gene, results from an A to T substitution at nucleotide position 315. The leucine at codon 105 is replaced by phenylalanine, an amino acid with highly similar properties. This amino acid position is conserved. In addition, the in silico prediction for this alteration is inconclusive. Based on the available evidence, the clinical significance of this variant remains unclear.